The following is an entry in ClinVar:

ClinVar aggregate classification (germline): Uncertain significance (1 of 4 stars; one submission).

Conditions:
PKD2-related disorder. Also called: PKD2-related condition.

Submission:

PreventionGenetics, part of Exact Sciences
Classification: Uncertain significance for PKD2-related condition. Last evaluated: 2026-07-27. Review status: criteria provided, single submitter. Criteria: ACMG Guidelines, 2015. Collection method: clinical testing. Allele origin: germline.
Comment: The PKD2 c.511G>A variant is predicted to result in the amino acid substitution p.Gly171Arg. To our knowledge, this variant has not been reported in the literature or in a large population database (gnomAD), indicating this variant is rare. At this time, the clinical significance of this variant is uncertain due to the absence of conclusive functional and genetic evidence.

NM_000297.4(PKD2):c.511G>A (p.Gly171Arg)

Genes: PKD2 (polycystin 2, transient receptor potential cation channel; plus strand), LOC129992813 (ATAC-STARR-seq lymphoblastoid silent region 15559; plus strand). Cytogenetic location: 4q22.1.
Variant type: single nucleotide variant.
Coding change: c.511G>A on transcript NM_000297.4 (MANE Select); coding-DNA position 511, G replaced by A.
Protein change: p.Gly171Arg; replaces glycine 171 with arginine.
Molecular consequence: missense variant. On other transcripts: non-coding transcript variant (1).
Genome position (GRCh38, 1-based): chr4:88,008,244, G>A. VCF-style: chr4-88008244-G-A. GRCh37 (hg19) VCF-style: chr4-88929396-G-A.
Other names: c.511G>A, p.Gly171Arg (NM_001440544.1); short protein forms G171R.
Identifiers: ClinVar variation 4979627 (VCV004979627.1).